The following is an entry in ClinVar:

NC_012920.1(MT-CYB):m.15612G>A

Gene: MT-CYB (mitochondrially encoded cytochrome b; plus strand).
Variant type: single nucleotide variant.
Genome position: chrM-15612-G-A.
Identifiers: ClinVar variation 693912 (VCV000693912.1), dbSNP rs1603225372, ClinGen allele CA913174356.
Genomic context (GRCh38, chrMT:15,612, plus strand): 5'-AGCCCGAATGATATTTCCTATTCGCCTACACAATTCTCCGATCCGTCCCTAACAAACTAG[G>A]AGGCGTCCTTGCCCTATTACTATCCATCCTCATCCTAGCAATAATCCCCATCCTCCATAT-3'

ClinVar aggregate classification (germline): Uncertain significance (1 of 4 stars; one submission).

Conditions:
Leigh syndrome (NULS). Also called: Leigh's necrotizing encephalopathy; Leigh's disease; Leigh's syndrome; LEIGH SYNDROME, NUCLEAR; Leigh Syndrome (mtDNA deletion); Leigh Disease. Identifiers: Orphanet 506, MedGen C2931891, MONDO:0009723, OMIM 256000.

Submission:

Wong Mito Lab, Molecular and Human Genetics, Baylor College of Medicine
Classification: Uncertain significance for Leigh syndrome. Last evaluated: 2019-10-17. Review status: criteria provided, single submitter. Criteria: Modified ACMG Guidelines (Unpublished). Collection method: clinical testing. Allele origin: germline.
Comment: The NC_012920.1:m.15612G>A (YP_003024038.1:p.Gly289Glu) variant in MTCYB gene is interpretated to be a Uncertain Significance variant based on the modified ACMG guidelines (unpublished). This variant meets the following evidence codes: PP7, BP5